The following is an entry in ClinVar:

ClinVar aggregate classification (germline): Uncertain significance (1 of 4 stars; one submission).

Conditions:
Zellweger spectrum disorders (ZS). Also called: Zellweger Spectrum Disorder; Zellweger Spectrum; Zellweger syndrome; Zellweger Spectrum Disorder (ZSD). Identifiers: Orphanet 912, MedGen C0043459, MONDO:0019609.

Submission:

Labcorp Genetics (formerly Invitae), Labcorp
Classification: Uncertain significance for Zellweger spectrum disorders. Last evaluated: 2025-10-22. Review status: criteria provided, single submitter. Criteria: Invitae Variant Classification Sherloc (09022015). Collection method: clinical testing. Allele origin: germline.
Comment: This sequence change replaces lysine, which is basic and polar, with glutamic acid, which is acidic and polar, at codon 493 of the PEX1 protein (p.Lys493Glu). This variant is not present in population databases (gnomAD no frequency). This variant has not been reported in the literature in individuals affected with PEX1-related conditions. Invitae Evidence Modeling of protein sequence and biophysical properties (such as structural, functional, and spatial information, amino acid conservation, physicochemical variation, residue mobility, and thermodynamic stability) indicates that this missense variant is not expected to disrupt PEX1 protein function with a negative predictive value of 95%. In summary, the available evidence is currently insufficient to determine the role of this variant in disease. Therefore, it has been classified as a Variant of Uncertain Significance.

NM_000466.3(PEX1):c.1477A>G (p.Lys493Glu)

Gene: PEX1 (peroxisomal biogenesis factor 1; minus strand). Cytogenetic location: 7q21.2.
Variant type: single nucleotide variant.
Coding change: c.1477A>G on transcript NM_000466.3 (MANE Select); coding-DNA position 1477, A replaced by G.
Protein change: p.Lys493Glu; replaces lysine 493 with glutamic acid.
Molecular consequence: missense variant.
Genome position (GRCh38, 1-based): chr7:92,511,586, T>C on the plus strand (A>G on the coding strand, the complement: PEX1 is on the minus strand). VCF-style: chr7-92511586-T-C. GRCh37 (hg19) VCF-style: chr7-92140900-T-C.
Other names: c.1477A>G, p.Lys493Glu (NM_001282677.2); c.853A>G, p.Lys285Glu (NM_001282678.2); short protein forms K285E, K493E.
Identifiers: ClinVar variation 4798010 (VCV004798010.1).